The following is an entry in ClinVar:

NM_032608.7(MYO18B):c.6940G>T (p.Glu2314Ter)

Gene: MYO18B (myosin XVIIIB; plus strand). Cytogenetic location: 22q12.1.
Variant type: single nucleotide variant.
Coding change: c.6940G>T on transcript NM_032608.7 (MANE Select); coding-DNA position 6940, G replaced by T.
Protein change: p.Glu2314Ter; replaces glutamic acid 2314 with a stop codon.
Molecular consequence: nonsense.
Genome position (GRCh38, 1-based): chr22:26,026,914, G>T. VCF-style: chr22-26026914-G-T. GRCh37 (hg19) VCF-style: chr22-26422880-G-T.
Other names: c.6943G>T, p.Glu2315Ter (NM_001318245.2); short protein forms E2314*, E2315*.
Identifiers: ClinVar variation 1947764 (VCV001947764.5), dbSNP rs746867546, ClinGen allele CA411011409.

ClinVar aggregate classification (germline): Pathogenic (1 of 4 stars; one submission).

Allele frequency attached by ClinVar (database versions not stated): TOPMed 0.00002.
gnomAD v4.1: 1 of 1,609,460 alleles (0.000062%); highest among the groups gnomAD compares: Non-Finnish European, 0.000085%; no homozygotes.

Submission:

Labcorp Genetics (formerly Invitae), Labcorp
Classification: Pathogenic. Last evaluated: 2025-11-15. Review status: criteria provided, single submitter. Criteria: Invitae Variant Classification Sherloc (09022015). Collection method: clinical testing. Allele origin: germline.
Comment: This sequence change creates a premature translational stop signal (p.Glu2314*) in the MYO18B gene. It is expected to result in an absent or disrupted protein product. Loss-of-function variants in MYO18B are known to be pathogenic (PMID: 25748484, 32184166, 32637634). This variant is not present in population databases (gnomAD no frequency). This variant has not been reported in the literature in individuals affected with MYO18B-related conditions. ClinVar contains an entry for this variant (Variation ID: 1947764). For these reasons, this variant has been classified as Pathogenic.

Literature cited by the submitters: PubMed 25748484; PubMed 32184166; PubMed 32637634.